The following is an entry in ClinVar:

ClinVar aggregate classification (germline): Likely benign (1 of 4 stars; one submission).

Submission:

GeneDx
Classification: Likely benign. Last evaluated: 2016-09-05. Review status: criteria provided, single submitter. Criteria: GeneDx Variant Classification (06012015). Collection method: clinical testing. Allele origin: germline. Affected: yes.
Comment: This variant is considered likely benign or benign based on one or more of the following criteria: it is a conservative change, it occurs at a poorly conserved position in the protein, it is predicted to be benign by multiple in silico algorithms, and/or has population frequency not consistent with disease.

NM_012470.4(TNPO3):c.148T>C (p.Leu50=)

Gene: TNPO3 (transportin 3; minus strand). Cytogenetic location: 7q32.1.
Variant type: single nucleotide variant.
Coding change: c.148T>C on transcript NM_012470.4 (MANE Select); coding-DNA position 148, T replaced by C.
Protein change: p.Leu50=; no amino-acid change (leucine 50 retained).
Molecular consequence: synonymous variant. On other transcripts: non-coding transcript variant (18).
Genome position (GRCh38, 1-based): chr7:129,018,130, A>G on the plus strand (T>C on the coding strand, the complement: TNPO3 is on the minus strand). VCF-style: chr7-129018130-A-G. GRCh37 (hg19) VCF-style: chr7-128658184-A-G.
Other names: c.148T>C, p.Leu50= (NM_001191028.3, NM_001382216.1, NM_001382217.1 and 6 more transcripts).
Identifiers: ClinVar variation 389071 (VCV000389071.1), dbSNP rs1057523314, ClinGen allele CA16605230.